The following is an entry in ClinVar:

ClinVar aggregate classification (germline): Uncertain significance (0 of 4 stars; one submission).

Conditions:
FOXP1-related disorder. Also called: FOXP1-related condition.

Allele frequency attached by ClinVar (database versions not stated): gnomAD 0.00001.
gnomAD v4.1: 5 of 1,613,670 alleles (0.00031%); highest among the groups gnomAD compares: Non-Finnish European, 0.00042%; no homozygotes.

Submission:

PreventionGenetics, part of Exact Sciences
Classification: Uncertain significance for FOXP1-related condition. Last evaluated: 2024-01-09. Review status: no assertion criteria provided. Collection method: clinical testing. Allele origin: germline.
Comment: The FOXP1 c.787G>C variant is predicted to result in the amino acid substitution p.Ala263Pro. To our knowledge, this variant has not been reported in the literature or in a large population database, indicating this variant is rare. At this time, the clinical significance of this variant is uncertain due to the absence of conclusive functional and genetic evidence.

NM_001349338.3(FOXP1):c.787G>C (p.Ala263Pro)

Gene: FOXP1 (forkhead box P1; minus strand). Cytogenetic location: 3p13.
Variant type: single nucleotide variant.
Coding change: c.787G>C on transcript NM_001349338.3 (MANE Select); coding-DNA position 787, G replaced by C.
Protein change: p.Ala263Pro; replaces alanine 263 with proline.
Molecular consequence: missense variant. On other transcripts: non-coding transcript variant (2).
Genome position (GRCh38, 1-based): chr3:71,041,410, C>G on the plus strand (G>C on the coding strand, the complement: FOXP1 is on the minus strand). VCF-style: chr3-71041410-C-G. GRCh37 (hg19) VCF-style: chr3-71090561-C-G.
Other names: c.787G>C, p.Ala263Pro (NM_001244808.3, NM_001244810.2, NM_001244814.3 and 4 more transcripts); c.559G>C, p.Ala187Pro (NM_001244812.3); c.487G>C, p.Ala163Pro (NM_001244813.3, NM_001244815.2, NM_001349342.3 and 1 more transcripts); c.484G>C, p.Ala162Pro (NM_001349337.2, NM_001349343.3, NM_001349344.3); c.784G>C, p.Ala262Pro (NM_001349341.3); short protein forms A162P, A163P, A187P, A262P, A263P.
Identifiers: ClinVar variation 3028945 (VCV003028945.2), dbSNP rs867863531, ClinGen allele CA353562718.